The following is an entry in ClinVar:

NM_000179.3(MSH6):c.635C>T (p.Thr212Ile)

Gene: MSH6 (mutS homolog 6; plus strand). Cytogenetic location: 2p16.3.
Variant type: single nucleotide variant.
Coding change: c.635C>T on transcript NM_000179.3 (MANE Select); coding-DNA position 635, C replaced by T.
Protein change: p.Thr212Ile; replaces threonine 212 with isoleucine.
Molecular consequence: missense variant. On other transcripts: 5 prime UTR variant (2).
Genome position (GRCh38, 1-based): chr2:47,798,618, C>T. VCF-style: chr2-47798618-C-T. GRCh37 (hg19) VCF-style: chr2-48025757-C-T.
Other names: c.-272C>T (NM_001281493.2, NM_001281494.2); c.245C>T, p.Thr82Ile (NM_001281492.2); short protein forms T212I, T82I.
Identifiers: ClinVar variation 232230 (VCV000232230.10), dbSNP rs876659637, ClinGen allele CA10578040.

ClinVar aggregate classification (germline): Uncertain significance. Review status: criteria provided, multiple submitters, no conflicts (2 of 4 stars). 2 submissions from 2 submitters: Uncertain significance (2). Last evaluated 2023-11-07.

Conditions:
Hereditary cancer-predisposing syndrome. Also called: Neoplastic Syndromes, Hereditary; Tumor predisposition; Hereditary Cancer Syndrome; Hereditary neoplastic syndrome. Identifiers: Orphanet 140162, MedGen C0027672, MeSH D009386, MONDO:0015356.
Hereditary nonpolyposis colorectal neoplasms. Identifiers: MedGen C0009405, MeSH D003123.

Submissions (2):

Ambry Genetics
Classification: Uncertain significance for Hereditary cancer-predisposing syndrome. Last evaluated: 2023-11-07. Review status: criteria provided, single submitter. Criteria: Ambry Variant Classification Scheme 2023. Collection method: clinical testing. Allele origin: germline.
Comment: The p.T212I variant (also known as c.635C>T), located in coding exon 4 of the MSH6 gene, results from a C to T substitution at nucleotide position 635. The threonine at codon 212 is replaced by isoleucine, an amino acid with similar properties. This amino acid position is poorly conserved in available vertebrate species. In addition, this alteration is predicted to be tolerated by in silico analysis. Since supporting evidence is limited at this time, the clinical significance of this alteration remains unclear.

Labcorp Genetics (formerly Invitae), Labcorp
Classification: Uncertain significance for Hereditary nonpolyposis colorectal neoplasms. Last evaluated: 2022-05-22. Review status: criteria provided, single submitter. Criteria: Invitae Variant Classification Sherloc (09022015). Collection method: clinical testing. Allele origin: germline.
Comment: ClinVar contains an entry for this variant (Variation ID: 232230). This variant has not been reported in the literature in individuals affected with MSH6-related conditions. This variant is not present in population databases (gnomAD no frequency). This sequence change replaces threonine, which is neutral and polar, with isoleucine, which is neutral and non-polar, at codon 212 of the MSH6 protein (p.Thr212Ile). Advanced modeling of protein sequence and biophysical properties (such as structural, functional, and spatial information, amino acid conservation, physicochemical variation, residue mobility, and thermodynamic stability) performed at Invitae indicates that this missense variant is not expected to disrupt MSH6 protein function. In summary, the available evidence is currently insufficient to determine the role of this variant in disease. Therefore, it has been classified as a Variant of Uncertain Significance.